The following is an entry in ClinVar:

ClinVar aggregate classification (germline): Conflicting classifications of pathogenicity. Review status: criteria provided, conflicting classifications (1 of 4 stars). 3 submissions from 3 submitters: Likely pathogenic (1); Uncertain significance (2). Last evaluated 2026-01-27.

Conditions:
OFD1-related disorder. Also called: OFD1-related condition.
Orofaciodigital syndrome I (OFD1). Also called: OFDS I; Papillon-Leage and Psaume Syndrome; Oral-Facial-Digital Syndrome Type I. Identifiers: Orphanet 2750, MedGen C1510460, MONDO:0010702, OMIM 311200.
Joubert syndrome. Also called: JOUBERT-BOLTSHAUSER SYNDROME; Familial aplasia of the vermis. Identifiers: Orphanet 475, MedGen C5979921, MONDO:0018772.

Allele frequency attached by ClinVar (database versions not stated): gnomAD exomes below 0.00001; gnomAD 0.00001; TOPMed 0.00001.

Submissions (3):

Labcorp Genetics (formerly Invitae), Labcorp
Classification: Likely pathogenic for Orofaciodigital syndrome I; Joubert syndrome. Last evaluated: 2026-01-27. Review status: criteria provided, single submitter. Criteria: Invitae Variant Classification Sherloc (09022015). Collection method: clinical testing. Allele origin: germline.
Comment: This sequence change affects an acceptor splice site in intron 20 of the OFD1 gene. It is expected to disrupt RNA splicing. Variants that disrupt the donor or acceptor splice site typically lead to a loss of protein function (PMID: 16199547), and loss-of-function variants in OFD1 are known to be pathogenic (PMID: 16783569, 18546297, 27081566). The frequency data for this variant in the population databases is considered unreliable, as metrics indicate poor data quality at this position in the gnomAD database. This variant has not been reported in the literature in individuals affected with OFD1-related conditions. ClinVar contains an entry for this variant (Variation ID: 2573505). Algorithms developed to predict the effect of sequence changes on RNA splicing suggest that this variant may disrupt the consensus splice site. In summary, the currently available evidence indicates that the variant is pathogenic, but additional data are needed to prove that conclusively. Therefore, this variant has been classified as Likely Pathogenic.

PreventionGenetics, part of Exact Sciences
Classification: Uncertain significance for OFD1-related condition. Last evaluated: 2025-12-29. Review status: criteria provided, single submitter. Criteria: ACMG Guidelines, 2015. Collection method: clinical testing. Allele origin: germline.
Comment: The OFD1 c.2758-2A>T variant is predicted to disrupt the AG splice acceptor site and interfere with normal splicing. To our knowledge, this variant has not been reported in the literature, and no functional studies support its pathogenicity. This variant is reported in 0.0084% of alleles in individuals of African descent in gnomAD, and is observed in a single hemizygous individual of unknown phenotype. Numerous other canonical splice-altering changes have been reported in association with X-linked dominant oral-facial-digital syndrome. However none of these causative variants have been observed in a hemizygous case in gnomAD. At this time, the clinical significance of this variant is uncertain due to the absence of conclusive functional and genetic evidence.

Women's Health and Genetics/Laboratory Corporation of America, LabCorp
Classification: Uncertain significance. Last evaluated: 2023-06-30. Review status: criteria provided, single submitter. Criteria: LabCorp Variant Classification Summary - May 2015. Collection method: clinical testing. Allele origin: germline.
Comment: Variant summary: OFD1 c.2758-2A>T is located in a canonical splice-site and is predicted to affect mRNA splicing resulting in a significantly altered protein due to either exon skipping, shortening, or inclusion of intronic material. Several computational tools predict a significant impact on normal splicing: Four predict the variant abolishes a canonical 3' splice acceptor site. Three predict the variant creates a cryptic 3' acceptor site located 3 nucleotides away from the canonical site. However, these predictions have yet to be confirmed by functional studies. The variant allele was found at a frequency of 5.6e-06 in 177696 control chromosomes, including in one hemizygous male (gnomAD). To our knowledge, no occurrence of c.2758-2A>T in individuals affected with Orofaciodigital Syndrome I and no experimental evidence demonstrating its impact on protein function have been reported. Furthermore, this variant was observed in at-least one proband referred for testing at our laboratory in whom a clinical correlation with features of Oral-Facial-Digital syndrome was not established. No submitters have cited clinical-significance assessments for this variant to ClinVar after 2014. Based on the evidence outlined above, the variant was classified as uncertain significance.

Literature cited by the submitters: PubMed 16199547 (cited by Labcorp Genetics (formerly Invitae), Labcorp); PubMed 16783569 (cited by Labcorp Genetics (formerly Invitae), Labcorp); PubMed 18546297 (cited by Labcorp Genetics (formerly Invitae), Labcorp); PubMed 27081566 (cited by Labcorp Genetics (formerly Invitae), Labcorp).

NM_003611.3(OFD1):c.2758-2A>T

Gene: OFD1 (OFD1 centriole and centriolar satellite protein; plus strand). Cytogenetic location: Xp22.2.
Variant type: single nucleotide variant.
Coding change: c.2758-2A>T on transcript NM_003611.3 (MANE Select); the canonical splice acceptor site of the intron before coding-DNA position 2758, A replaced by T.
Molecular consequence: splice acceptor variant.
Genome position (GRCh38, 1-based): chrX:13,768,052, A>T. VCF-style: chrX-13768052-A-T. GRCh37 (hg19) VCF-style: chrX-13786171-A-T.
Other names: c.2338-2A>T (NM_001330210.2); c.2638-2A>T (NM_001330209.2).
Identifiers: ClinVar variation 2573505 (VCV002573505.5), dbSNP rs1254987046, ClinGen allele CA412312310.